The following is an entry in ClinVar:

NM_004168.4(SDHA):c.30_31delinsTT (p.Leu10_Leu11=)

Gene: SDHA (succinate dehydrogenase complex flavoprotein subunit A; plus strand). Cytogenetic location: 5p15.33.
Variant type: Indel.
Coding change: c.30_31delinsTT on transcript NM_004168.4 (MANE Select); coding-DNA positions 30 to 31, GC replaced by TT.
Protein change: p.Leu10_Leu11=.
Molecular consequence: synonymous variant.
Genome position (GRCh38, 1-based): chr5:218,385-218,386, GC replaced by TT. VCF-style: chr5-218385-GC-TT. GRCh37 (hg19) VCF-style: chr5-218500-GC-TT.
Other names: c.30_31delinsTT, p.Leu10_Leu11= (NM_001294332.2, NM_001330758.2).
Identifiers: ClinVar variation 4784381 (VCV004784381.1).

ClinVar aggregate classification (germline): Uncertain significance (1 of 4 stars; one submission).

Conditions:
Mitochondrial complex II deficiency, nuclear type 1. Also called: SUCCINATE CoQ REDUCTASE DEFICIENCY. Identifiers: Orphanet 3208, MedGen C5700310, MONDO:0100294, OMIM 252011.
Pheochromocytoma/paraganglioma syndrome 5. Also called: Paragangliomas 5; SDHA-Related Hereditary Paraganglioma-Pheochromocytoma Syndrome. Identifiers: Orphanet 29072, MedGen C3279992, MONDO:0013602, OMIM 614165.

Submission:

Labcorp Genetics (formerly Invitae), Labcorp
Classification: Uncertain significance for Pheochromocytoma/paraganglioma syndrome 5; Mitochondrial complex II deficiency, nuclear type 1. Last evaluated: 2025-03-09. Review status: criteria provided, single submitter. Criteria: Invitae Variant Classification Sherloc (09022015). Collection method: clinical testing. Allele origin: germline.
Comment: This sequence change affects codons 10 and 11 of the SDHA mRNA. It is a 'silent' change, meaning that it does not change the encoded amino acid sequence of the SDHA protein. Information on the frequency of this variant in the gnomAD database is not available, as this variant may be reported differently in the database. This variant has not been reported in the literature in individuals affected with SDHA-related conditions. Experimental studies and prediction algorithms are not available or were not evaluated, and the effect of this variant on mRNA splicing is currently unknown. In summary, the available evidence is currently insufficient to determine the role of this variant in disease. Therefore, it has been classified as a Variant of Uncertain Significance.